The following is an entry in ClinVar:

NM_144672.4(OTOA):c.562_569dup (p.Phe191fs)

Gene: OTOA (otoancorin). Cytogenetic location: 16p12.2.
Variant type: Duplication.
Coding change: c.562_569dup on transcript NM_144672.4 (MANE Select); coding-DNA positions 562 to 569, 8 bases duplicated.
Protein change: p.Phe191fs; shifts the reading frame from phenylalanine 191.
Molecular consequence: frameshift variant.
Genome position: GRCh38 VCF-style: chr16-21687574-C-CTCAGGGAG. GRCh37 (hg19) VCF-style: chr16-21698895-C-CTCAGGGAG.
Other names: c.325_332dup, p.Phe112fs (NM_001161683.2); short protein forms F191fs, F112fs.
Identifiers: ClinVar variation 1799551 (VCV001799551.6), dbSNP rs770159048, ClinGen allele CA7952330.

ClinVar aggregate classification (germline): Pathogenic/Likely pathogenic. Review status: criteria provided, multiple submitters, no conflicts (2 of 4 stars). 2 submissions from 2 submitters: Pathogenic (1); Likely pathogenic (1). Last evaluated 2024-02-16.

Conditions:
Autosomal recessive nonsyndromic hearing loss 22. Identifiers: Orphanet 90636, MedGen C1846896, MONDO:0011762, OMIM 607039.

Allele frequency attached by ClinVar (database versions not stated): gnomAD 0.00001; gnomAD exomes 0.00001; ExAC 0.00002.

Submissions (2):

Labcorp Genetics (formerly Invitae), Labcorp
Classification: Pathogenic. Last evaluated: 2024-02-16. Review status: criteria provided, single submitter. Criteria: Invitae Variant Classification Sherloc (09022015). Collection method: clinical testing. Allele origin: germline.
Comment: This sequence change creates a premature translational stop signal (p.Phe191Glnfs*48) in the OTOA gene. It is expected to result in an absent or disrupted protein product. Loss-of-function variants in OTOA are known to be pathogenic (PMID: 11972037). This variant is present in population databases (rs770159048, gnomAD 0.005%). This variant has not been reported in the literature in individuals affected with OTOA-related conditions. ClinVar contains an entry for this variant (Variation ID: 1799551). For these reasons, this variant has been classified as Pathogenic.

The Shared Resource Centre "Genome", Research Centre for Medical Genetics
Classification: Likely pathogenic for Autosomal recessive nonsyndromic hearing loss 22. Last evaluated: 2022-11-10. Review status: criteria provided, single submitter. Criteria: ACMG Guidelines, 2015. Collection method: clinical testing. Allele origin: germline. Affected: yes. Observed: 1 variant allele.

Literature cited by the submitters: PubMed 11972037 (cited by Labcorp Genetics (formerly Invitae), Labcorp).